The following is an entry in ClinVar:

ClinVar aggregate classification (germline): Pathogenic/Likely pathogenic. Review status: criteria provided, multiple submitters, no conflicts (2 of 4 stars). 3 submissions from 3 submitters: Pathogenic (2); Likely pathogenic (1). Last evaluated 2025-04-22.

Conditions:
3-hydroxyisobutyryl-CoA hydrolase deficiency. Also called: Reduced circulating 3-hydroxyisobutyryl-CoA hydrolase activity; Deficiency of 3-hydroxyisobutyryl CoA hydrolase; VALINE METABOLIC DEFECT; HIBCH DEFICIENCY; METHACRYLIC ACID TOXICITY; METHACRYLIC ACIDURIA. Identifiers: Orphanet 88639, MedGen C0342738, MONDO:0009603, OMIM 250620, HP:6000215.

Allele frequency attached by ClinVar (database versions not stated): gnomAD exomes below 0.00001; TOPMed below 0.00001.
gnomAD v4.1: 2 of 1,613,472 alleles (0.00012%); highest among the groups gnomAD compares: Admixed American, 0.0033%; no homozygotes.

Submissions (3):

Women's Health and Genetics/Laboratory Corporation of America, LabCorp
Classification: Pathogenic for 3-hydroxyisobutyryl-CoA hydrolase deficiency. Last evaluated: 2025-04-22. Review status: criteria provided, single submitter. Criteria: LabCorp Variant Classification Summary - May 2015. Collection method: clinical testing. Allele origin: germline.
Comment: Variant summary: HIBCH c.1012A>T (p.Arg338X) results in a premature termination codon, predicted to cause a truncation of the encoded protein but not expected to result in nonsense mediated decay. The variant allele was found at a frequency of 4e-06 in 250990 control chromosomes (gnomAD). To our knowledge, no occurrence of c.1012A>T in individuals affected with Beta-Hydroxyisobutyryl Deacylase Deficiency and no experimental evidence demonstrating its impact on protein function have been reported. At least one additional downstream pathogenic variant (c.1027C>G; p.His343Asp) has been reported in HGMD (HGMD accession: CM1514324). ClinVar contains an entry for this variant (Variation ID: 1379552). Based on the evidence outlined above, the variant was classified as pathogenic.

Center for Personalized Medicine, Children's Hospital Los Angeles
Classification: Likely pathogenic. Last evaluated: 2022-12-21. Review status: criteria provided, single submitter. Criteria: ACMG Guidelines, 2015. Collection method: clinical testing. Allele origin: inherited. Affected: yes.

Labcorp Genetics (formerly Invitae), Labcorp
Classification: Pathogenic for 3-hydroxyisobutyryl-CoA hydrolase deficiency. Last evaluated: 2021-11-15. Review status: criteria provided, single submitter. Criteria: Invitae Variant Classification Sherloc (09022015). Collection method: clinical testing. Allele origin: germline.
Comment: This variant disrupts a region of the HIBCH protein in which other variant(s) (p.His343Asp) have been determined to be pathogenic (PMID: 33762937). This suggests that this is a clinically significant region of the protein, and that variants that disrupt it are likely to be disease-causing. Algorithms developed to predict the effect of sequence changes on RNA splicing suggest that this variant may create or strengthen a splice site. This variant has not been reported in the literature in individuals affected with HIBCH-related conditions. This variant is present in population databases (no rsID available, gnomAD 0.003%). This sequence change creates a premature translational stop signal (p.Arg338*) in the HIBCH gene. While this is not anticipated to result in nonsense mediated decay, it is expected to disrupt the last 49 amino acid(s) of the HIBCH protein. For these reasons, this variant has been classified as Pathogenic.

Literature cited by the submitters: PubMed 33762937 (cited by Labcorp Genetics (formerly Invitae), Labcorp).

NM_014362.4(HIBCH):c.1012A>T (p.Arg338Ter)

Gene: HIBCH (3-hydroxyisobutyryl-CoA hydrolase; minus strand). Cytogenetic location: 2q32.2.
Variant type: single nucleotide variant.
Coding change: c.1012A>T on transcript NM_014362.4 (MANE Select); coding-DNA position 1012, A replaced by T.
Protein change: p.Arg338Ter; replaces arginine 338 with a stop codon.
Molecular consequence: nonsense. On other transcripts: intron variant (1).
Genome position (GRCh38, 1-based): chr2:190,208,913, T>A on the plus strand (A>T on the coding strand, the complement: HIBCH is on the minus strand). VCF-style: chr2-190208913-T-A. GRCh37 (hg19) VCF-style: chr2-191073639-T-A.
Other names: c.1012A>T (NM_014362.3); c.1012-3681A>T (NM_198047.3); short protein forms R338*.
Identifiers: ClinVar variation 1379552 (VCV001379552.8), dbSNP rs1364971527, ClinGen allele CA349894178.
Genomic context (GRCh38, chr2:190,208,913, plus strand): 5'-AATGGTAAGTTCCCATTTGCCACTTACCAGCTCTAACGCCTTCATGAAAGTCATGACCTC[T>A]CTGAAAGAAAATTGAGATTAAATGGGGATAATTTCTGGGTGTCCTTATTCTGGGTTATTT-3'